The following is an entry in ClinVar:

NC_000001.10:g.(?_216107938)_(216173924_?)del

Gene: USH2A (usherin; minus strand). Cytogenetic location: 1q41.
Variant type: Deletion.
Identifiers: ClinVar variation 2427741 (VCV002427741.4).

ClinVar aggregate classification (germline): Pathogenic (1 of 4 stars; one submission).

Submission:

Labcorp Genetics (formerly Invitae), Labcorp
Classification: Pathogenic. Last evaluated: 2022-08-09. Review status: criteria provided, single submitter. Criteria: Invitae Variant Classification Sherloc (09022015). Collection method: clinical testing. Allele origin: germline.
Comment: For these reasons, this variant has been classified as Pathogenic. This variant disrupts a region of the USH2A protein in which other variant(s) (p.Gly2313Cys) have been determined to be pathogenic (PMID: 26261414, 26306921, 27032803, 28981474; Invitae). This suggests that this is a clinically significant region of the protein, and that variants that disrupt it are likely to be disease-causing. A similar copy number variant has been observed in individual(s) with retinitis pigmentosa (Invitae). This variant is a gross deletion of the genomic region encompassing exon(s) 33-38 of the USH2A gene. This variant would be expected to be in-frame, preserving the integrity of the reading frame.

Literature cited by the submitters: PubMed 26261414; PubMed 26306921; PubMed 27032803; PubMed 28981474.